The following is an entry in ClinVar:

ClinVar aggregate classification (germline): Uncertain significance (1 of 4 stars; one submission).

Allele frequency attached by ClinVar (database versions not stated): gnomAD exomes below 0.00001 and 0.00002; TOPMed below 0.00001; ExAC 0.00001; gnomAD 0.00001; 1000 Genomes Project 30x 0.00016; 1000 Genomes Project 0.00020.
gnomAD v4.1: 15 of 1,607,366 alleles (0.00093%); highest among the groups gnomAD compares: East Asian, 0.034%; no homozygotes.

Submission:

Labcorp Genetics (formerly Invitae), Labcorp
Classification: Uncertain significance. Last evaluated: 2021-03-05. Review status: criteria provided, single submitter. Criteria: Invitae Variant Classification Sherloc (09022015). Collection method: clinical testing. Allele origin: germline.
Comment: This sequence change affects codon 305 of the ADAM9 mRNA. It is a 'silent' change, meaning that it does not change the encoded amino acid sequence of the ADAM9 protein. This variant is present in population databases (rs79184972, ExAC 0.01%). This variant has not been reported in the literature in individuals with ADAM9-related conditions. Algorithms developed to predict the effect of sequence changes on RNA splicing suggest that this variant is not likely to affect RNA splicing, but this prediction has not been confirmed by published transcriptional studies. In summary, the available evidence is currently insufficient to determine the role of this variant in disease. Therefore, it has been classified as a Variant of Uncertain Significance.

NM_003816.3(ADAM9):c.913C>T (p.Leu305=)

Gene: ADAM9 (ADAM metallopeptidase domain 9; plus strand). Cytogenetic location: 8p11.22.
Variant type: single nucleotide variant.
Coding change: c.913C>T on transcript NM_003816.3 (MANE Select); coding-DNA position 913, C replaced by T.
Protein change: p.Leu305=; no amino-acid change (leucine 305 retained).
Molecular consequence: synonymous variant. On other transcripts: non-coding transcript variant (3).
Genome position (GRCh38, 1-based): chr8:39,023,324, C>T. VCF-style: chr8-39023324-C-T. GRCh37 (hg19) VCF-style: chr8-38880843-C-T.
Identifiers: ClinVar variation 1057830 (VCV001057830.5), dbSNP rs79184972, ClinGen allele CA4721470.